The following is an entry in ClinVar:

ClinVar aggregate classification (germline): Uncertain significance (1 of 4 stars; one submission).

Submission:

Labcorp Genetics (formerly Invitae), Labcorp
Classification: Uncertain significance. Last evaluated: 2022-09-13. Review status: criteria provided, single submitter. Criteria: Invitae Variant Classification Sherloc (09022015). Collection method: clinical testing. Allele origin: germline.
Comment: In summary, the available evidence is currently insufficient to determine the role of this variant in disease. Therefore, it has been classified as a Variant of Uncertain Significance. Advanced modeling of protein sequence and biophysical properties (such as structural, functional, and spatial information, amino acid conservation, physicochemical variation, residue mobility, and thermodynamic stability) performed at Invitae indicates that this missense variant is expected to disrupt COL9A1 protein function. This variant has not been reported in the literature in individuals affected with COL9A1-related conditions. This variant is not present in population databases (gnomAD no frequency). This sequence change replaces glycine, which is neutral and non-polar, with arginine, which is basic and polar, at codon 496 of the COL9A1 protein (p.Gly496Arg).

NM_001851.6(COL9A1):c.1486G>C (p.Gly496Arg)

Gene: COL9A1 (collagen type IX alpha 1 chain; minus strand). Cytogenetic location: 6q13.
Variant type: single nucleotide variant.
Coding change: c.1486G>C on transcript NM_001851.6 (MANE Select); coding-DNA position 1486, G replaced by C.
Protein change: p.Gly496Arg; replaces glycine 496 with arginine.
Molecular consequence: missense variant. On other transcripts: non-coding transcript variant (1).
Genome position (GRCh38, 1-based): chr6:70,256,785, C>G on the plus strand (G>C on the coding strand, the complement: COL9A1 is on the minus strand). VCF-style: chr6-70256785-C-G. GRCh37 (hg19) VCF-style: chr6-70966488-C-G.
Other names: c.757G>C, p.Gly253Arg (NM_001377289.1, NM_001377290.1, NM_078485.4); short protein forms G253R, G496R.
Identifiers: ClinVar variation 2052983 (VCV002052983.4), dbSNP rs2483326970, ClinGen allele CA364678416.